The following is an entry in ClinVar:

NM_005654.6(NR2F1):c.276G>A (p.Lys92=)

Genes: NR2F1 (nuclear receptor subfamily 2 group F member 1; plus strand), NR2F1-AS1 (NR2F1 regulatory antisense RNA 1; minus strand). Cytogenetic location: 5q15.
Variant type: single nucleotide variant.
Coding change: c.276G>A on transcript NM_005654.6 (MANE Select); coding-DNA position 276, G replaced by A.
Protein change: p.Lys92=; no amino-acid change (lysine 92 retained).
Molecular consequence: synonymous variant.
Genome position (GRCh38, 1-based): chr5:93,585,299, G>A. VCF-style: chr5-93585299-G-A. GRCh37 (hg19) VCF-style: chr5-92921005-G-A.
Identifiers: ClinVar variation 515013 (VCV000515013.12), dbSNP rs906581747, ClinGen allele CA123266251.

ClinVar aggregate classification (germline): Likely benign. Review status: criteria provided, multiple submitters, no conflicts (2 of 4 stars). 4 submissions from 4 submitters: Likely benign (4). Last evaluated 2025-04-02.

Conditions:
NR2F1-related disorder. Also called: NR2F1-related condition.

Allele frequency attached by ClinVar (database versions not stated): gnomAD exomes below 0.00001; TOPMed below 0.00001; gnomAD 0.00001.
gnomAD v4.1: 3 of 1,609,492 alleles (0.00019%); highest among the groups gnomAD compares: Non-Finnish European, 0.00017%; no homozygotes.

Submissions (4):

Labcorp Genetics (formerly Invitae), Labcorp
Classification: Likely benign. Last evaluated: 2025-04-02. Review status: criteria provided, single submitter. Criteria: Invitae Variant Classification Sherloc (09022015). Collection method: clinical testing. Allele origin: germline.

PreventionGenetics, part of Exact Sciences
Classification: Likely benign for NR2F1-related condition. Last evaluated: 2024-11-07. Review status: criteria provided, single submitter. Criteria: ACMG Guidelines, 2015. Collection method: clinical testing. Allele origin: germline.
Comment: This variant is classified as likely benign based on ACMG/AMP sequence variant interpretation guidelines (Richards et al. 2015 PMID: 25741868, with internal and published modifications).

Blueprint Genetics
Classification: Likely benign. Last evaluated: 2024-09-04. Review status: criteria provided, single submitter. Criteria: ACMG Guidelines, 2015. Collection method: clinical testing. Allele origin: germline.

GeneDx
Classification: Likely benign. Last evaluated: 2018-02-15. Review status: criteria provided, single submitter. Criteria: GeneDx Variant Classification (06012015). Collection method: clinical testing. Allele origin: germline. Affected: yes.
Comment: This variant is considered likely benign or benign based on one or more of the following criteria: it is a conservative change, it occurs at a poorly conserved position in the protein, it is predicted to be benign by multiple in silico algorithms, and/or has population frequency not consistent with disease.